The following is an entry in ClinVar:

NM_001164508.2(NEB):c.2579G>A (p.Ser860Asn)

Gene: NEB (nebulin; minus strand). Cytogenetic location: 2q23.3.
Variant type: single nucleotide variant.
Coding change: c.2579G>A on transcript NM_001164508.2 (MANE Select); coding-DNA position 2579, G replaced by A.
Protein change: p.Ser860Asn; replaces serine 860 with asparagine.
Molecular consequence: missense variant.
Genome position (GRCh38, 1-based): chr2:151,687,477, C>T on the plus strand (G>A on the coding strand, the complement: NEB is on the minus strand). VCF-style: chr2-151687477-C-T. GRCh37 (hg19) VCF-style: chr2-152543991-C-T.
Other names: c.2579G>A, p.Ser860Asn (NM_001164507.2, NM_001271208.2, NM_004543.5); short protein forms S860N.
Identifiers: ClinVar variation 533974 (VCV000533974.10), dbSNP rs1368018193, ClinGen allele CA348822646.

ClinVar aggregate classification (germline): Uncertain significance. Review status: criteria provided, multiple submitters, no conflicts (2 of 4 stars). 3 submissions from 3 submitters: Uncertain significance (2). 1 of the submissions does not count toward it. Last evaluated 2024-11-11.

Conditions:
Nemaline myopathy 2 (NEM2). Also called: Nemaline myopathy 2, autosomal recessive. Identifiers: MedGen C1850569, MONDO:0009725, OMIM 256030.

Allele frequency attached by ClinVar (database versions not stated): gnomAD exomes below 0.00001 and 0.00001; gnomAD 0.00001; TOPMed 0.00001.
gnomAD v4.1: 8 of 1,613,932 alleles (0.0005%); highest among the groups gnomAD compares: Middle Eastern, 0.033%; no homozygotes.

Submissions (3):

Labcorp Genetics (formerly Invitae), Labcorp
Classification: Uncertain significance for Nemaline myopathy 2. Last evaluated: 2024-11-11. Review status: criteria provided, single submitter. Criteria: Invitae Variant Classification Sherloc (09022015). Collection method: clinical testing. Allele origin: germline.
Comment: This sequence change replaces serine, which is neutral and polar, with asparagine, which is neutral and polar, at codon 860 of the NEB protein (p.Ser860Asn). This variant is present in population databases (no rsID available, gnomAD 0.0009%). This variant has not been reported in the literature in individuals affected with NEB-related conditions. ClinVar contains an entry for this variant (Variation ID: 533974). Experimental studies and prediction algorithms are not available or were not evaluated, and the functional significance of this variant is currently unknown. In summary, the available evidence is currently insufficient to determine the role of this variant in disease. Therefore, it has been classified as a Variant of Uncertain Significance.

Blueprint Genetics
Classification: Uncertain significance. Last evaluated: 2019-12-30. Review status: criteria provided, single submitter. Criteria: ACMG Guidelines, 2015. Collection method: clinical testing. Allele origin: germline.

Natera, Inc.
Classification: Uncertain significance for Nemaline myopathy type 2. Last evaluated: 2021-06-15. Review status: no assertion criteria provided. Collection method: clinical testing. Allele origin: germline. Not counted in ClinVar's aggregate classification.